The following is an entry in ClinVar:

ClinVar aggregate classification (germline): Likely benign. Review status: criteria provided, multiple submitters, no conflicts (2 of 4 stars). 3 submissions from 3 submitters: Likely benign (2). 1 of the submissions does not count toward it. Last evaluated 2026-01-12.

Conditions:
OTOF-related disorder. Also called: OTOF-related condition.

Allele frequency attached by ClinVar (database versions not stated): gnomAD exomes 0.00003 and 0.00009; ExAC 0.00005; 1000 Genomes Project 30x 0.00031; TOPMed 0.00032; gnomAD 0.00036 and 0.00040; 1000 Genomes Project 0.00040.
gnomAD v4.1: 100 of 1,550,926 alleles (0.0064%); highest among the groups gnomAD compares: African/African-American, 0.13%; no homozygotes.

Submissions (3):

Labcorp Genetics (formerly Invitae), Labcorp
Classification: Likely benign. Last evaluated: 2026-01-12. Review status: criteria provided, single submitter. Criteria: Invitae Variant Classification Sherloc (09022015). Collection method: clinical testing. Allele origin: germline.

Laboratory for Molecular Medicine, Mass General Brigham Personalized Medicine
Classification: Likely benign. Last evaluated: 2016-06-04. Review status: criteria provided, single submitter. Criteria: LMM Criteria. Collection method: clinical testing. Allele origin: germline. Observed: 1 variant allele.
Comment: c.80-5C>T in intron 1 of OTOF: This variant is not expected to have clinical sig nificance because a C>T change at this position does not diverge from the splice consensus sequence and is therefore unlikely to impact splicing. It has been id entified in 1/2848 of African chromosomes by the Exome Aggregation Consortium (E xAC; dbSNP rs531034566).

PreventionGenetics, part of Exact Sciences
Classification: Likely benign for OTOF-related condition. Last evaluated: 2020-01-02. Review status: no assertion criteria provided. Collection method: clinical testing. Allele origin: germline. Not counted in ClinVar's aggregate classification.
Comment: This variant is classified as likely benign based on ACMG/AMP sequence variant interpretation guidelines (Richards et al. 2015 PMID: 25741868, with internal and published modifications).

NM_194248.3(OTOF):c.80-5C>T

Gene: OTOF (otoferlin; minus strand). Cytogenetic location: 2p23.3.
Variant type: single nucleotide variant.
Coding change: c.80-5C>T on transcript NM_194248.3 (MANE Select); 5 bases into the intron before coding-DNA position 80, C replaced by T.
Molecular consequence: intron variant.
Genome position (GRCh38, 1-based): chr2:26,537,779, G>A on the plus strand (C>T on the coding strand, the complement: OTOF is on the minus strand). VCF-style: chr2-26537779-G-A. GRCh37 (hg19) VCF-style: chr2-26760647-G-A.
Other names: c.80-5C>T (NM_001287489.2).
Identifiers: ClinVar variation 505046 (VCV000505046.15), dbSNP rs531034566, ClinGen allele CA1564819.